The following is an entry in ClinVar:

NM_001281740.3(FHOD3):c.1197_1199GGA[6] (p.Glu406_Gln407insGlu)

Gene: FHOD3 (formin homology 2 domain containing 3; plus strand). Cytogenetic location: 18q12.2.
Variant type: Microsatellite.
Coding change: c.1197_1199GGA[6] on transcript NM_001281740.3 (MANE Select).
Protein change: p.Glu406_Gln407insGlu.
Molecular consequence: inframe insertion. On other transcripts: intron variant (2).
Genome position: GRCh38 VCF-style: chr18-36649315-G-GGGA. GRCh37 (hg19) VCF-style: chr18-34229278-G-GGGA.
Other names: c.1197-8759GGA[6] (NM_025135.5, NM_001281739.3).
Identifiers: ClinVar variation 5008711 (VCV005008711.1).

ClinVar aggregate classification (germline): Uncertain significance (1 of 4 stars; one submission).

Submission:

GeneDx
Classification: Uncertain significance. Last evaluated: 2026-03-06. Review status: criteria provided, single submitter. Criteria: GeneDx Variant Classification Process June 2021. Collection method: clinical testing. Allele origin: germline.
Comment: In-frame duplication of 1 amino acid(s) in a repetitive region with no known function; Has not been previously published as pathogenic or benign to our knowledge; Reported using an alternate transcript of the gene